The following is an entry in ClinVar:

NM_000350.3(ABCA4):c.4837G>A (p.Asp1613Asn)

Genes: ABCA4 (ATP binding cassette subfamily A member 4; minus strand), LOC126805793 (CDK7 strongly-dependent group 2 enhancer GRCh37_chr1:94486302-94487501; plus strand). Cytogenetic location: 1p22.1.
Variant type: single nucleotide variant.
Coding change: c.4837G>A on transcript NM_000350.3 (MANE Select); coding-DNA position 4837, G replaced by A.
Protein change: p.Asp1613Asn; replaces aspartic acid 1613 with asparagine.
Molecular consequence: missense variant.
Genome position (GRCh38, 1-based): chr1:94,021,651, C>T on the plus strand (G>A on the coding strand, the complement: ABCA4 is on the minus strand). VCF-style: chr1-94021651-C-T. GRCh37 (hg19) VCF-style: chr1-94487207-C-T.
Other names: c.4615G>A, p.Asp1539Asn (NM_001425324.1); short protein forms D1613N, D1539N.
Identifiers: ClinVar variation 960529 (VCV000960529.10), dbSNP rs1476762749, ClinGen allele CA341283580.

ClinVar aggregate classification (germline): Uncertain significance (1 of 4 stars; one submission).

Allele frequency attached by ClinVar (database versions not stated): gnomAD exomes below 0.00001; TOPMed below 0.00001.
gnomAD v4.1: 2 of 1,612,198 alleles (0.00012%); highest among the groups gnomAD compares: South Asian, 0.0011%; no homozygotes.

Submission:

Labcorp Genetics (formerly Invitae), Labcorp
Classification: Uncertain significance. Last evaluated: 2022-02-24. Review status: criteria provided, single submitter. Criteria: Invitae Variant Classification Sherloc (09022015). Collection method: clinical testing. Allele origin: germline.
Comment: In summary, the available evidence is currently insufficient to determine the role of this variant in disease. Therefore, it has been classified as a Variant of Uncertain Significance. Advanced modeling of protein sequence and biophysical properties (such as structural, functional, and spatial information, amino acid conservation, physicochemical variation, residue mobility, and thermodynamic stability) performed at Invitae indicates that this missense variant is not expected to disrupt ABCA4 protein function. ClinVar contains an entry for this variant (Variation ID: 960529). This variant has not been reported in the literature in individuals affected with ABCA4-related conditions. This variant is present in population databases (no rsID available, gnomAD 0.003%). This sequence change replaces aspartic acid, which is acidic and polar, with asparagine, which is neutral and polar, at codon 1613 of the ABCA4 protein (p.Asp1613Asn).